The following is an entry in ClinVar:

ClinVar aggregate classification (germline): Uncertain significance (1 of 4 stars; one submission).

Conditions:
Inborn genetic diseases. Identifiers: MedGen C0950123, MeSH D030342.

Submission:

Ambry Genetics
Classification: Uncertain significance for Inborn genetic diseases. Last evaluated: 2024-12-22. Review status: criteria provided, single submitter. Criteria: Ambry Variant Classification Scheme 2023. Collection method: clinical testing. Allele origin: germline.
Comment: The p.S515N variant (also known as c.1544G>A), located in coding exon 11 of the BMPR2 gene, results from a G to A substitution at nucleotide position 1544. The serine at codon 515 is replaced by asparagine, an amino acid with highly similar properties. This amino acid position is conserved. In addition, the in silico prediction for this alteration is inconclusive. Based on the available evidence, the clinical significance of this variant remains unclear.

NM_001204.7(BMPR2):c.1544G>A (p.Ser515Asn)

Gene: BMPR2 (bone morphogenetic protein receptor type 2; plus strand). Cytogenetic location: 2q33.2.
Variant type: single nucleotide variant.
Coding change: c.1544G>A on transcript NM_001204.7 (MANE Select); coding-DNA position 1544, G replaced by A.
Protein change: p.Ser515Asn; replaces serine 515 with asparagine.
Molecular consequence: missense variant.
Genome position (GRCh38, 1-based): chr2:202,552,846, G>A. VCF-style: chr2-202552846-G-A. GRCh37 (hg19) VCF-style: chr2-203417569-G-A.
Other names: short protein forms S515N.
Identifiers: ClinVar variation 3824770 (VCV003824770.1).